The following is an entry in ClinVar:

NM_170606.3(KMT2C):c.3324-12T>A

Gene: KMT2C (lysine methyltransferase 2C; minus strand). Cytogenetic location: 7q36.1.
Variant type: single nucleotide variant.
Coding change: c.3324-12T>A on transcript NM_170606.3 (MANE Select); 12 bases into the intron before coding-DNA position 3324, T replaced by A.
Molecular consequence: intron variant.
Genome position (GRCh38, 1-based): chr7:152,222,694, A>T on the plus strand (T>A on the coding strand, the complement: KMT2C is on the minus strand). VCF-style: chr7-152222694-A-T. GRCh37 (hg19) VCF-style: chr7-151919779-A-T.
Identifiers: ClinVar variation 4537539 (VCV004537539.1).
Genomic context (GRCh38, chr7:152,222,694, plus strand): 5'-TTCCACTTCTTCCTCAGTATTTAAGTTCTGACAAACTGCATGCATCCATCTAAAAAGACC[A>T]TATTTGTACATTTTTTTTAAAAAATGGAATATACTGAGAACTGCTACCTTTTAAAACCTG-3'

ClinVar aggregate classification (germline): Uncertain significance (1 of 4 stars; one submission).

Submission:

GeneDx
Classification: Uncertain significance. Last evaluated: 2025-06-13. Review status: criteria provided, single submitter. Criteria: GeneDx Variant Classification Process June 2021. Collection method: clinical testing. Allele origin: germline. Affected: yes.
Comment: Not observed at significant frequency in large population cohorts (gnomAD); In silico analysis supports a deleterious effect on splicing; Has not been previously published as pathogenic or benign to our knowledge